The following is an entry in ClinVar:

ClinVar aggregate classification (germline): Likely benign (1 of 4 stars; one submission).

gnomAD v4.1: 14 of 1,609,628 alleles (0.00087%); highest among the groups gnomAD compares: Non-Finnish European, 0.0011%; no homozygotes.

Submission:

Mayo Clinic Laboratories, Mayo Clinic
Classification: Likely benign. Last evaluated: 2025-03-18. Review status: criteria provided, single submitter. Criteria: ACMG Guidelines, 2015. Collection method: clinical testing. Allele origin: germline. Observed: 1 variant allele.
Comment: BP4, BP7

NM_005861.4(STUB1):c.359-9G>T

Gene: STUB1 (STIP1 homology and U-box containing protein 1; plus strand). Cytogenetic location: 16p13.3.
Variant type: single nucleotide variant.
Coding change: c.359-9G>T on transcript NM_005861.4 (MANE Select); 9 bases into the intron before coding-DNA position 359, G replaced by T.
Molecular consequence: intron variant.
Genome position (GRCh38, 1-based): chr16:681,429, G>T. VCF-style: chr16-681429-G-T. GRCh37 (hg19) VCF-style: chr16-731429-G-T.
Other names: p.?; c.143-9G>T (NM_001293197.2).
Identifiers: ClinVar variation 4684036 (VCV004684036.1).
Genomic context (GRCh38, chr16:681,429, plus strand): 5'-CGGTTGTGGGGCCTCTGGGGCCAGGCGGGTGGACTGGCCAGAGAGTGACGTGAAGCCCCC[G>T]TTCCCCAGCTTACAGCCTGGCCAAGGAGCAGCGGCTGAACTTCGGGGACGACATCCCCAG-3'